The following is an entry in ClinVar:

NM_000091.5(COL4A3):c.2719G>A (p.Gly907Arg)

Genes: COL4A3 (collagen type IV alpha 3 chain; plus strand), MFF-DT (MFF divergent transcript; minus strand). Cytogenetic location: 2q36.3.
Variant type: single nucleotide variant.
Coding change: c.2719G>A on transcript NM_000091.5 (MANE Select); coding-DNA position 2719, G replaced by A.
Protein change: p.Gly907Arg; replaces glycine 907 with arginine.
Molecular consequence: missense variant.
Genome position (GRCh38, 1-based): chr2:227,283,829, G>A. VCF-style: chr2-227283829-G-A. GRCh37 (hg19) VCF-style: chr2-228148545-G-A.
Other names: p.(Gly907Arg); short protein forms G907R.
Identifiers: ClinVar variation 4853858 (VCV004853858.1).

ClinVar aggregate classification (germline): Likely pathogenic. Review status: criteria provided, single submitter (1 of 4 stars). 2 submissions from 1 submitter: Likely pathogenic (2). Last evaluated 2026-03-12.

Conditions:
Autosomal dominant Alport syndrome (ATS3A). Also called: ALPORT SYNDROME 3A, AUTOSOMAL DOMINANT; Alport syndrome dominant type; Renal failure and sensorineural hearing loss. Identifiers: Orphanet 63, Orphanet 88918, MedGen C5882663, MONDO:0007086, OMIM 104200.
Alport syndrome 3b, autosomal recessive. Identifiers: MedGen C5882699, MONDO:0957811, OMIM 620536.

gnomAD v4.1: 5 of 1,614,096 alleles (0.00031%); highest among the groups gnomAD compares: Non-Finnish European, 0.00042%; no homozygotes.

Submissions (2):

Centre de Génétique Humaine, Institut de Pathologie Et de Génétique
Classification: Likely pathogenic for Alport syndrome 3b, autosomal recessive. Last evaluated: 2026-03-12. Review status: criteria provided, single submitter. Criteria: ACMG Guidelines, 2015. Collection method: clinical testing. Allele origin: germline. Inheritance: Autosomal recessive inheritance. Affected: yes. Observed: 2 variant alleles, 2 compound heterozygotes. Clinical features observed: Hematuria (HP:0000790), Proteinuria (HP:0000093), Sensorineural hearing loss disorder (HP:0000407), Stage 3 chronic kidney disease (HP:0012625). Segregation with disease not observed.
Comment: This missense variant involves a highly conserved glycine located in a ‘Gly-X-Y’ motif in collagenous region, which is characteristic of the pathogenic variants identified in the COL4A3 gene (PM1,PP2). This variant is rare: allelic frequency of 0.00031% in gnomAD v4.1.0 database (PM2); In silico analysis supports that this missense variant has a deleterious effect (PP3).

Centre de Génétique Humaine, Institut de Pathologie Et de Génétique
Classification: Likely pathogenic for Autosomal dominant Alport syndrome. Last evaluated: 2026-03-12. Review status: criteria provided, single submitter. Criteria: ACMG Guidelines, 2015. Collection method: clinical testing. Allele origin: maternal, germline. Inheritance: Autosomal dominant inheritance. Affected: yes. Observed: 3 variant alleles, 3 heterozygotes. Clinical features observed: Microscopic hematuria (HP:0002907), Proteinuria (HP:0000093), Stage 2 chronic kidney disease (HP:0012624). Segregation with disease observed.
Comment: the same text as in the submission from Centre de Génétique Humaine, Institut de Pathologie Et de Génétique above.